The following is an entry in ClinVar:

NM_015160.3(PMPCA):c.719C>A (p.Ser240Tyr)

Genes: PMPCA (peptidase, mitochondrial processing subunit alpha; plus strand), LOC126860792 (CDK7 strongly-dependent group 2 enhancer GRCh37_chr9:139310410-139311609; plus strand). Cytogenetic location: 9q34.3.
Variant type: single nucleotide variant.
Coding change: c.719C>A on transcript NM_015160.3 (MANE Select); coding-DNA position 719, C replaced by A.
Protein change: p.Ser240Tyr; replaces serine 240 with tyrosine.
Molecular consequence: missense variant.
Genome position (GRCh38, 1-based): chr9:136,417,036, C>A. VCF-style: chr9-136417036-C-A. GRCh37 (hg19) VCF-style: chr9-139311488-C-A.
Other names: c.326C>A, p.Ser109Tyr (NM_001282944.2); c.419C>A, p.Ser140Tyr (NM_001282946.2); short protein forms S140Y, S240Y, S109Y.
Identifiers: ClinVar variation 4708846 (VCV004708846.1).

ClinVar aggregate classification (germline): Uncertain significance (1 of 4 stars; one submission).

gnomAD v4.1: 2 of 1,613,862 alleles (0.00012%); highest among the groups gnomAD compares: African/African-American, 0.0013%; no homozygotes.

Submission:

Labcorp Genetics (formerly Invitae), Labcorp
Classification: Uncertain significance. Last evaluated: 2025-07-30. Review status: criteria provided, single submitter. Criteria: Invitae Variant Classification Sherloc (09022015). Collection method: clinical testing. Allele origin: germline.
Comment: This sequence change replaces serine, which is neutral and polar, with tyrosine, which is neutral and polar, at codon 240 of the PMPCA protein (p.Ser240Tyr). This variant is present in population databases (rs777268401, gnomAD 0.007%). This variant has not been reported in the literature in individuals affected with PMPCA-related conditions. Invitae Evidence Modeling of protein sequence and biophysical properties (such as structural, functional, and spatial information, amino acid conservation, physicochemical variation, residue mobility, and thermodynamic stability) indicates that this missense variant is not expected to disrupt PMPCA protein function with a negative predictive value of 80%. In summary, the available evidence is currently insufficient to determine the role of this variant in disease. Therefore, it has been classified as a Variant of Uncertain Significance.